The following is an entry in ClinVar:

NM_001401501.2(MUC16):c.3213C>T (p.Gly1071=)

Gene: MUC16 (mucin 16, cell surface associated; minus strand). Cytogenetic location: 19p13.2.
Variant type: single nucleotide variant.
Coding change: c.3213C>T on transcript NM_001401501.2 (MANE Select); coding-DNA position 3213, C replaced by T.
Protein change: p.Gly1071=; no amino-acid change (glycine 1071 retained).
Molecular consequence: synonymous variant.
Genome position (GRCh38, 1-based): chr19:8,978,046, G>A on the plus strand (C>T on the coding strand, the complement: MUC16 is on the minus strand). VCF-style: chr19-8978046-G-A. GRCh37 (hg19) VCF-style: chr19-9088722-G-A.
Other names: c.3639C>T, p.Gly1213= (NM_001414686.1); c.3093C>T, p.Gly1031= (NM_001414687.1, NM_024690.2).
Identifiers: ClinVar variation 3055518 (VCV003055518.2), dbSNP rs17000948, ClinGen allele CA9173088.

ClinVar aggregate classification (germline): Benign (0 of 4 stars; one submission).

Conditions:
MUC16-related disorder. Also called: MUC16-related condition.

Allele frequency attached by ClinVar (database versions not stated): ESP Exome Variant Server 0.09268; gnomAD 0.10618; ExAC 0.10763; TOPMed 0.10894; 1000 Genomes Project 0.14377.

Submission:

PreventionGenetics, part of Exact Sciences
Classification: Benign for MUC16-related condition. Last evaluated: 2019-02-26. Review status: no assertion criteria provided. Collection method: clinical testing. Allele origin: germline.
Comment: This variant is classified as benign based on ACMG/AMP sequence variant interpretation guidelines (Richards et al. 2015 PMID: 25741868, with internal and published modifications).